The following is an entry in ClinVar:

NM_033400.3(ZFHX2):c.7611C>T (p.Ala2537=)

Genes: ZFHX2 (zinc finger homeobox 2; minus strand), THTPA (thiamine triphosphatase; plus strand). Cytogenetic location: 14q11.2.
Variant type: single nucleotide variant.
Coding change: c.7611C>T on transcript NM_033400.3 (MANE Select); coding-DNA position 7611, C replaced by T.
Protein change: p.Ala2537=; no amino-acid change (alanine 2537 retained).
Molecular consequence: synonymous variant.
Genome position (GRCh38, 1-based): chr14:23,522,070, G>A on the plus strand (C>T on the coding strand, the complement: ZFHX2 is on the minus strand). VCF-style: chr14-23522070-G-A. GRCh37 (hg19) VCF-style: chr14-23991279-G-A.
Identifiers: ClinVar variation 3771335 (VCV003771335.14).

ClinVar aggregate classification (germline): Likely benign. Review status: criteria provided, multiple submitters, no conflicts (2 of 4 stars). 2 submissions from 2 submitters: Likely benign (2). Last evaluated 2026-06-30.

gnomAD v4.1: 322 of 1,536,220 alleles (0.021%); highest among the groups gnomAD compares: Non-Finnish European, 0.024%; 1 homozygote.

Submissions (2):

Women's Health and Genetics/Laboratory Corporation of America, LabCorp
Classification: Likely benign. Last evaluated: 2026-06-30. Review status: criteria provided, single submitter. Criteria: LabCorp Variant Classification Summary - May 2015. Collection method: clinical testing. Allele origin: germline.

CeGaT Center for Human Genetics Tuebingen
Classification: Likely benign. Last evaluated: 2025-02-01. Review status: criteria provided, single submitter. Criteria: CeGaT Center For Human Genetics Tuebingen Variant Classification Criteria Version 2. Collection method: clinical testing. Allele origin: germline. Affected: yes. Observed: 1 variant allele.
Comment: ZFHX2: BP4, BP7